The following is an entry in ClinVar:

NM_002382.5(MAX):c.64-2A>G

Genes: MAX-AS1 (MAX antisense RNA 1; plus strand), MAX (MYC associated transcriptional regulator X; minus strand). Cytogenetic location: 14q23.3.
Variant type: single nucleotide variant.
Coding change: c.64-2A>G on transcript NM_002382.5 (MANE Select); the canonical splice acceptor site of the intron before coding-DNA position 64, A replaced by G.
Molecular consequence: splice acceptor variant. On other transcripts: non-coding transcript variant (1), intron variant (1).
Genome position (GRCh38, 1-based): chr14:65,093,817, T>C on the plus strand (A>G on the coding strand, the complement: MAX is on the minus strand). VCF-style: chr14-65093817-T-C. GRCh37 (hg19) VCF-style: chr14-65560535-T-C.
Other names: c.37-2A>G (NM_001271069.2, NM_001407095.1, NM_001407110.1 and 9 more transcripts); c.64-2A>G (NM_197957.4, NM_001407094.1, NM_001407104.1 and 5 more transcripts); c.-304-2A>G (NM_001407112.1, NM_001407111.1); c.-211-2A>G (NM_001407106.1, NM_001407107.1, NM_001320415.2 and 1 more transcripts); c.63+7729A>G (NM_001407098.1); c.87-2A>G (NM_001407114.1).
Identifiers: ClinVar variation 1753466 (VCV001753466.2), dbSNP rs2504407945, ClinGen allele CA390037845.

ClinVar aggregate classification (germline): Pathogenic (1 of 4 stars; one submission).

Conditions:
Hereditary cancer-predisposing syndrome. Also called: Neoplastic Syndromes, Hereditary; Tumor predisposition; Hereditary Cancer Syndrome; Hereditary neoplastic syndrome. Identifiers: Orphanet 140162, MedGen C0027672, MeSH D009386, MONDO:0015356.

Submission:

Ambry Genetics
Classification: Pathogenic for Hereditary cancer-predisposing syndrome. Last evaluated: 2022-05-26. Review status: criteria provided, single submitter. Criteria: Ambry Variant Classification Scheme 2023. Collection method: clinical testing. Allele origin: germline.
Comment: The c.64-2A>G intronic pathogenic mutation results from an A to G substitution two nucleotides upstream from coding exon 3 in the MAX gene. This alteration has been observed in at least one individual with a personal and/or family history that is consistent with MAX-related disease (Ambry internal data). This alteration has also been reported in the literature in an individual diagnosed with pheochromocytoma (Lam-Chung CE et al. J Endocr Soc, 2021 Aug;5:bvab085). RNA studies have demonstrated that this alteration results in abnormal splicing in the set of samples tested (Ambry internal data). In silico splice site analysis predicts that this alteration will weaken the native splice acceptor site. Based on the supporting evidence, this alteration is interpreted as a disease-causing mutation.

Literature cited by the submitters: PubMed 34169220.